The following is an entry in ClinVar:

NM_007194.4(CHEK2):c.967A>C (p.Thr323Pro)

Gene: CHEK2 (checkpoint kinase 2; minus strand). Cytogenetic location: 22q12.1.
Variant type: single nucleotide variant.
Coding change: c.967A>C on transcript NM_007194.4 (MANE Select); coding-DNA position 967, A replaced by C.
Protein change: p.Thr323Pro; replaces threonine 323 with proline.
Molecular consequence: missense variant.
Genome position (GRCh38, 1-based): chr22:28,699,879, T>G on the plus strand (A>C on the coding strand, the complement: CHEK2 is on the minus strand). VCF-style: chr22-28699879-T-G. GRCh37 (hg19) VCF-style: chr22-29095867-T-G.
Other names: c.1096A>C, p.Thr366Pro (NM_001005735.3); c.304A>C, p.Thr102Pro (NM_001257387.3); c.766A>C, p.Thr256Pro (NM_001349956.3); c.967A>C, p.Thr323Pro (NM_145862.3); short protein forms T323P, T366P, T102P, T256P.
Identifiers: ClinVar variation 420003 (VCV000420003.21), dbSNP rs750984976, ClinGen allele CA16621062.

ClinVar aggregate classification (germline): Uncertain significance. Review status: criteria provided, multiple submitters, no conflicts (2 of 4 stars). 7 submissions from 7 submitters: Uncertain significance (6). 1 of the submissions does not count toward it. Last evaluated 2025-04-17.

Conditions:
Hereditary cancer-predisposing syndrome. Also called: Neoplastic Syndromes, Hereditary; Hereditary Cancer Syndrome; Hereditary neoplastic syndrome; Tumor predisposition. Identifiers: Orphanet 140162, MedGen C0027672, MeSH D009386, MONDO:0015356.
Familial cancer of breast. Also called: BREAST CANCER, FAMILIAL; Hereditary breast cancer; hereditary breast carcinoma. Identifiers: Orphanet 227535, MedGen C0346153, MONDO:0016419, OMIM 114480. Disease mechanism: loss of function.
CHEK2-related cancer predisposition (TPDS4). Also called: TUMOR PREDISPOSITION SYNDROME 4; CANCER PREDISPOSITION SYNDROME, CHEK2-RELATED; CHEK2-related cancer susceptibility. Identifiers: Orphanet 524, MedGen C5882668, MONDO:0700271, OMIM 609265.
Prostate cancer. Also called: Malignant tumor of prostate. Identifiers: Orphanet 1331, MedGen C0376358, MONDO:0008315, HP:0012125.
Bone osteosarcoma. Also called: Osteosarcoma, somatic. Identifiers: Orphanet 668, MedGen C0585442, MONDO:0002629, OMIM 259500.

gnomAD v4.1: 2 of 1,614,090 alleles (0.00012%); highest among the groups gnomAD compares: Non-Finnish European, 0.00017%; no homozygotes.

Submissions (7):

Ambry Genetics
Classification: Uncertain significance for Hereditary cancer-predisposing syndrome. Last evaluated: 2025-04-17. Review status: criteria provided, single submitter. Criteria: Ambry Variant Classification Scheme 2023. Collection method: clinical testing. Allele origin: germline.
Comment: The p.T323P variant (also known as c.967A>C), located in coding exon 8 of the CHEK2 gene, results from an A to C substitution at nucleotide position 967. The threonine at codon 323 is replaced by proline, an amino acid with highly similar properties. This alteration has been reported in both breast and prostate cancer cases (Wu X et al. Hum. Mutat. 2006 Aug;27(8):742-; Le Calvez-Kelm F et al. Breast Cancer Res. 2011 Jan;13(1):R6; 7; Young EL et al. J Med Genet, 2016 06;53:366-76). Functional analysis of this alteration revealed CHEK2-mediated DNA damage response is similar to wild-type; however, this alteration has also been reported to result in partially reduced CHEK2 kinase activity (Wu X et al. Hum. Mutat. 2006 Aug;27(8):742-7; Roeb W, Higgens J, and King MC. Hum. Mol. Genet. 2012 Jun;21(12):2738-44). This variant was reported as functional in a study assessing CHEK2-complementation through quantification of KAP1 phosphorylation and CHK2 autophosphorylation in human RPE1-CHEK2-knockout cells (Stolarova L et al. Clin Cancer Res, 2023 Aug;29:3037-3050). This residue is located in the alpha-helix of the kinase c-lobe domain; proline substitutions are typically destabilizing to the protein structure in alpha-helix regions (Le Calvez-Kelm F et al. Breast Cancer Res. 2011 Jan;13(1):R6). This amino acid position is well conserved in available vertebrate species. In addition, this alteration is predicted to be deleterious by in silico analysis. Based on the available evidence, the clinical significance of this variant remains unclear.

Myriad Genetics, Inc.
Classification: Uncertain significance for Familial cancer of breast. Last evaluated: 2023-03-08. Review status: criteria provided, single submitter. Criteria: Myriad Autosomal Dominant, Autosomal Recessive and X-Linked Classification Criteria (2023). Collection method: clinical testing. Allele origin: unknown.
Comment: This variant is classified as a variant of uncertain significance as there is insufficient evidence to determine its impact on protein function and/or cancer risk.

Labcorp Genetics (formerly Invitae), Labcorp
Classification: Uncertain significance for Familial cancer of breast. Last evaluated: 2023-02-06. Review status: criteria provided, single submitter. Criteria: Invitae Variant Classification Sherloc (09022015). Collection method: clinical testing. Allele origin: germline.
Comment: This sequence change replaces threonine, which is neutral and polar, with proline, which is neutral and non-polar, at codon 323 of the CHEK2 protein (p.Thr323Pro). This variant is not present in population databases (gnomAD no frequency). This missense change has been observed in individual(s) with prostate and breast cancer (PMID: 16835864, 21244692, 22419737). ClinVar contains an entry for this variant (Variation ID: 420003). Algorithms developed to predict the effect of missense changes on protein structure and function are either unavailable or do not agree on the potential impact of this missense change (SIFT: "Deleterious"; PolyPhen-2: "Probably Damaging"; Align-GVGD: "Class C0"). Experimental studies are conflicting or provide insufficient evidence to determine the effect of this variant on CHEK2 function (PMID: 16835864, 22419737). In summary, the available evidence is currently insufficient to determine the role of this variant in disease. Therefore, it has been classified as a Variant of Uncertain Significance.

Color Diagnostics, LLC DBA Color Health
Classification: Uncertain significance for Hereditary cancer-predisposing syndrome. Last evaluated: 2021-01-19. Review status: criteria provided, single submitter. Criteria: ACMG Guidelines, 2015. Collection method: clinical testing. Allele origin: germline.
Comment: This missense variant replaces threonine with proline at codon 323 of the CHEK2 protein. Computational prediction suggests that this variant may not impact protein structure and function (internally defined REVEL score threshold <= 0.5, PMID: 27666373). Functional studies have shown that this variant causes a partial loss of CHEK2 kinase activity (PMID: 16835864) but does not affect DNA damage response of the CHEK2 protein (PMID: 22419737). This variant has been observed in individuals affected with early-onset breast caner (PMID: 21244692), familial breast cancer (PMID: 22419737) and prostate cancer (PMID: 16835864). This variant has not been identified in the general population by the Genome Aggregation Database (gnomAD). The available evidence is insufficient to determine the role of this variant in disease conclusively. Therefore, this variant is classified as a Variant of Uncertain Significance.

Fulgent Genetics
Classification: Uncertain significance for Familial cancer of breast; Familial prostate cancer; Bone osteosarcoma; CHEK2-related cancer predisposition. Last evaluated: 2018-10-31. Review status: criteria provided, single submitter. Criteria: ACMG Guidelines, 2015. Collection method: clinical testing. Allele origin: unknown.

GeneDx
Classification: Uncertain significance. Last evaluated: 2016-07-25. Review status: criteria provided, single submitter. Criteria: GeneDx Variant Classification (06012015). Collection method: clinical testing. Allele origin: germline. Affected: yes.
Comment: This variant is denoted CHEK2 c.967A>C at the cDNA level, p.Thr323Pro (T323P) at the protein level, and results in the change of a Threonine to a Proline (ACC>CCC). This variant was observed in an individual with early-onset breast cancer as well as in both tumor and adjacent normal tissues from an individual with prostate cancer (Dong 2003, Le Calvez-Kelm 2011). In a yeast-based assay CHEK2 Thr323Pro demonstrated DNA damage response comparable to wild-type, but led to partially reduced kinase activity in mammalian cells (Wu 2006, Roeb 2012). CHEK2 Thr323Pro was not observed in approximately 6,500 individuals of European and African American ancestry in the NHLBI Exome Sequencing Project, suggesting it is not a common benign variant in these populations. Since Threonine and Proline differ in polarity, charge, size or other properties, this is considered a non-conservative amino acid substitution. CHEK2 Thr323Pro occurs at a position that is conserved in mammals and is located in the kinase domain (Desrichard 2011, Roeb 2012). In silico analyses predict that this variant is probably damaging to protein structure and function. Based on currently available evidence, it is unclear whether CHEK2 Thr323Pro is pathogenic or benign. We consider it to be a variant of uncertain significance.

Counsyl
Classification: Uncertain significance for Familial cancer of breast. Last evaluated: 2018-05-25. Review status: no assertion criteria provided. Collection method: clinical testing. Allele origin: unknown. Not counted in ClinVar's aggregate classification.

Literature cited by the submitters: PubMed 12533788 (cited by Ambry Genetics and Counsyl); PubMed 16835864 (cited by 3 submitters); PubMed 16941491 (cited by Ambry Genetics); PubMed 21244692 (cited by 3 submitters); PubMed 22419737 (cited by 3 submitters); PubMed 26787654 (cited by Ambry Genetics); PubMed 37449874 (cited by Ambry Genetics).